The following is an entry in ClinVar:

ClinVar aggregate classification (germline): Uncertain significance. Review status: criteria provided, multiple submitters, no conflicts (2 of 4 stars). 2 submissions from 2 submitters: Uncertain significance (2). Last evaluated 2024-10-13.

Conditions:
Mosaic variegated aneuploidy syndrome 1 (MVA1). Also called: Warburton-Anyane-Yeboa syndrome. Identifiers: Orphanet 1052, MedGen C1850343, MONDO:0009759, OMIM 257300.
Inborn genetic diseases. Identifiers: MedGen C0950123, MeSH D030342.

Allele frequency attached by ClinVar (database versions not stated): ExAC 0.00001.
gnomAD v4.1: 19 of 1,614,080 alleles (0.0012%); highest among the groups gnomAD compares: Non-Finnish European, 0.0015%; no homozygotes.

Submissions (2):

Labcorp Genetics (formerly Invitae), Labcorp
Classification: Uncertain significance for Mosaic variegated aneuploidy syndrome 1. Last evaluated: 2024-10-13. Review status: criteria provided, single submitter. Criteria: Invitae Variant Classification Sherloc (09022015). Collection method: clinical testing. Allele origin: germline.
Comment: This sequence change replaces arginine, which is basic and polar, with histidine, which is basic and polar, at codon 244 of the BUB1B protein (p.Arg244His). This variant is present in population databases (rs56158360, gnomAD 0.003%). This variant has not been reported in the literature in individuals affected with BUB1B-related conditions. ClinVar contains an entry for this variant (Variation ID: 2533605). An algorithm developed to predict the effect of missense changes on protein structure and function (PolyPhen-2) suggests that this variant is likely to be disruptive. In summary, the available evidence is currently insufficient to determine the role of this variant in disease. Therefore, it has been classified as a Variant of Uncertain Significance.

Ambry Genetics
Classification: Uncertain significance for Inborn genetic diseases. Last evaluated: 2023-04-05. Review status: criteria provided, single submitter. Criteria: Ambry Variant Classification Scheme 2023. Collection method: clinical testing. Allele origin: germline.

NM_001211.6(BUB1B):c.731G>A (p.Arg244His)

Gene: BUB1B (BUB1 mitotic checkpoint serine/threonine kinase B; plus strand). Cytogenetic location: 15q15.1.
Variant type: single nucleotide variant.
Coding change: c.731G>A on transcript NM_001211.6 (MANE Select); coding-DNA position 731, G replaced by A.
Protein change: p.Arg244His; replaces arginine 244 with histidine.
Molecular consequence: missense variant.
Genome position (GRCh38, 1-based): chr15:40,183,863, G>A. VCF-style: chr15-40183863-G-A. GRCh37 (hg19) VCF-style: chr15-40476064-G-A.
Other names: short protein forms R244H.
Identifiers: ClinVar variation 2533605 (VCV002533605.4), dbSNP rs56158360, ClinGen allele CA7475544.